The following is an entry in ClinVar:

ClinVar aggregate classification (germline): Uncertain significance (1 of 4 stars; one submission).

Allele frequency attached by ClinVar (database versions not stated): TOPMed below 0.00001; gnomAD 0.00001.
gnomAD v4.1: 8 of 1,571,290 alleles (0.00051%); highest among the groups gnomAD compares: Non-Finnish European, 0.00069%; no homozygotes.

Submission:

Labcorp Genetics (formerly Invitae), Labcorp
Classification: Uncertain significance. Last evaluated: 2023-11-27. Review status: criteria provided, single submitter. Criteria: Invitae Variant Classification Sherloc (09022015). Collection method: clinical testing. Allele origin: germline.
Comment: This sequence change replaces aspartic acid, which is acidic and polar, with asparagine, which is neutral and polar, at codon 822 of the RIMS1 protein (p.Asp822Asn). This variant is not present in population databases (gnomAD no frequency). This variant has not been reported in the literature in individuals affected with RIMS1-related conditions. ClinVar contains an entry for this variant (Variation ID: 1921734). An algorithm developed to predict the effect of missense changes on protein structure and function (PolyPhen-2) suggests that this variant is likely to be disruptive. In summary, the available evidence is currently insufficient to determine the role of this variant in disease. Therefore, it has been classified as a Variant of Uncertain Significance.

NM_014989.7(RIMS1):c.2464G>A (p.Asp822Asn)

Gene: RIMS1 (regulating synaptic membrane exocytosis 1; plus strand). Cytogenetic location: 6q13.
Variant type: single nucleotide variant.
Coding change: c.2464G>A on transcript NM_014989.7 (MANE Select); coding-DNA position 2464, G replaced by A.
Protein change: p.Asp822Asn; replaces aspartic acid 822 with asparagine.
Molecular consequence: missense variant.
Genome position (GRCh38, 1-based): chr6:72,251,012, G>A. VCF-style: chr6-72251012-G-A. GRCh37 (hg19) VCF-style: chr6-72960715-G-A.
Other names: c.886G>A, p.Asp296Asn (NM_001168407.2, NM_001168408.2, NM_001350414.2 and 37 more transcripts); c.643G>A, p.Asp215Asn (NM_001168409.2, NM_001350461.2, NM_001350463.2 and 6 more transcripts); c.841G>A, p.Asp281Asn (NM_001168410.2, NM_001350470.2, NM_001350472.2 and 2 more transcripts); c.817G>A, p.Asp273Asn (NM_001350421.2, NM_001350424.2, NM_001350428.2 and 6 more transcripts); short protein forms D281N, D215N, D273N, D296N, D822N.
Identifiers: ClinVar variation 1921734 (VCV001921734.5), dbSNP rs2073057942, ClinGen allele CA364679608.